The following is an entry in ClinVar:

ClinVar aggregate classification (germline): Likely benign (1 of 4 stars; one submission).

Conditions:
Familial cancer of breast. Also called: BREAST CANCER, FAMILIAL; Hereditary breast cancer; hereditary breast carcinoma. Identifiers: Orphanet 227535, MedGen C0346153, MONDO:0016419, OMIM 114480. Disease mechanism: loss of function.

Allele frequency attached by ClinVar (database versions not stated): gnomAD exomes below 0.00001.
gnomAD v4.1: 1 of 1,598,800 alleles (0.000063%); highest among the groups gnomAD compares: East Asian, 0.0022%; no homozygotes.

Submission:

Myriad Genetics, Inc.
Classification: Likely benign for Familial cancer of breast. Last evaluated: 2024-04-23. Review status: criteria provided, single submitter. Criteria: Myriad Autosomal Dominant, Autosomal Recessive and X-Linked Classification Criteria (2023). Collection method: clinical testing. Allele origin: unknown.
Comment: This variant is considered likely benign. This variant is intronic and is not expected to impact mRNA splicing.

NM_000051.4(ATM):c.902-12T>C

Gene: ATM (ATM serine/threonine kinase; plus strand). Cytogenetic location: 11q22.3.
Variant type: single nucleotide variant.
Coding change: c.902-12T>C on transcript NM_000051.4 (MANE Select); 12 bases into the intron before coding-DNA position 902, T replaced by C.
Molecular consequence: intron variant.
Genome position (GRCh38, 1-based): chr11:108,246,952, T>C. VCF-style: chr11-108246952-T-C. GRCh37 (hg19) VCF-style: chr11-108117679-T-C.
Other names: c.902-12T>C (NM_001351834.2).
Identifiers: ClinVar variation 3253989 (VCV003253989.1), dbSNP rs2497177893.